The following is an entry in ClinVar:

ClinVar aggregate classification (germline): Likely benign. Review status: criteria provided, multiple submitters, no conflicts (2 of 4 stars). 3 submissions from 3 submitters: Likely benign (2). 1 of the submissions does not count toward it. Last evaluated 2024-04-16.

Conditions:
FGFR1-related disorder. Also called: FGFR1-related condition; FGFR1-related disorders. Identifiers: MedGen CN380097.
Pfeiffer syndrome (ACS5). Also called: ACS V. Identifiers: Orphanet 710, MedGen C0220658, MONDO:0007043, OMIM 101600.
Hypogonadotropic hypogonadism 2 with or without anosmia (HH2). Also called: HYPOGONADOTROPIC HYPOGONADISM 2 WITHOUT ANOSMIA; FGFR1-Related GnRH Deficiency (Kallmann Syndrome 2); HYPOGONADOTROPIC HYPOGONADISM 2 WITH OR WITHOUT ANOSMIA, SUSCEPTIBILITY TO; HYPOGONADOTROPIC HYPOGONADISM 2 WITHOUT ANOSMIA, SUSCEPTIBILITY TO. Identifiers: Orphanet 478, MedGen C1563720, MONDO:0007844, OMIM 147950. Disease mechanism: loss of function.

Allele frequency attached by ClinVar (database versions not stated): gnomAD exomes below 0.00001.

Submissions (3):

Labcorp Genetics (formerly Invitae), Labcorp
Classification: Likely benign for Pfeiffer syndrome; Hypogonadotropic hypogonadism 2 with or without anosmia. Last evaluated: 2024-04-16. Review status: criteria provided, single submitter. Criteria: Invitae Variant Classification Sherloc (09022015). Collection method: clinical testing. Allele origin: germline.

Blueprint Genetics
Classification: Likely benign. Last evaluated: 2022-09-09. Review status: criteria provided, single submitter. Criteria: ACMG Guidelines, 2015. Collection method: clinical testing. Allele origin: germline.

PreventionGenetics, part of Exact Sciences
Classification: Likely benign for FGFR1-related condition. Last evaluated: 2019-10-28. Review status: no assertion criteria provided. Collection method: clinical testing. Allele origin: germline. Not counted in ClinVar's aggregate classification.
Comment: This variant is classified as likely benign based on ACMG/AMP sequence variant interpretation guidelines (Richards et al. 2015 PMID: 25741868, with internal and published modifications).

NM_023110.3(FGFR1):c.411G>A (p.Glu137=)

Gene: FGFR1 (fibroblast growth factor receptor 1; minus strand). Cytogenetic location: 8p11.23.
Variant type: single nucleotide variant.
Coding change: c.411G>A on transcript NM_023110.3 (MANE Select); coding-DNA position 411, G replaced by A.
Protein change: p.Glu137=; no amino-acid change (glutamic acid 137 retained).
Molecular consequence: synonymous variant.
Genome position (GRCh38, 1-based): chr8:38,428,383, C>T on the plus strand (G>A on the coding strand, the complement: FGFR1 is on the minus strand). VCF-style: chr8-38428383-C-T. GRCh37 (hg19) VCF-style: chr8-38285901-C-T.
Other names: c.411G>A, p.Glu137= (NM_001174063.2, NM_001174065.2, NM_001354367.2 and 2 more transcripts); c.387G>A, p.Glu129= (NM_001174064.2); c.144G>A, p.Glu48= (NM_001174066.2, NM_001354368.2, NM_001354370.2 and 2 more transcripts); c.510G>A, p.Glu170= (NM_001174067.2); c.411G>A (NM_023110.2).
Identifiers: ClinVar variation 1544001 (VCV001544001.11), dbSNP rs1010621186, ClinGen allele CA175150860.